The following is an entry in ClinVar:

ClinVar aggregate classification (germline): Pathogenic (3 of 4 stars; one submission).

Conditions:
Glanzmann thrombasthenia. Also called: BLEEDING DISORDER, PLATELET-TYPE, 2; THROMBASTHENIA OF GLANZMANN AND NAEGELI; PLATELET GLYCOPROTEIN IIb-IIIa DEFICIENCY; Glanzmann's thrombasthenia; Thrombasthenia. Identifiers: Orphanet 849, MedGen C0040015, MONDO:0100326.

Submission:

ClinGen Platelet Disorders Variant Curation Expert Panel, ClinGen
Classification: Pathogenic for Glanzmann thrombasthenia. Last evaluated: 2023-06-01. Review status: reviewed by expert panel. Criteria: ClinGen Platelet ACMG Specifications v2-1. Collection method: curation. Allele origin: germline. Inheritance: Autosomal recessive inheritance.
Comment: The c.539del (p.Asn180ThrfsTer3) variant in exon 4 is a frameshift variant predicted to cause a premature stop codon in biologically-relevant-exon 4 and is predicted to lead to nonsense mediated decay in a gene in which loss-of-function is an established disease mechanism (PVS1). At least one patient (Patient # 1 in PMID:18326913 ) with this variant displayed mucocutaneous bleeding and impaired aggregation with all agonists except ristocetin, which is highly specific for Glanzmann thrombasthenia (PP4_strong). Additionally, αIIbβ3 surface expression was absent, as measured by Western blot. . Additionally, this variant is absent from gnomAD v2.1.1 (PM2_Supporting). In summary, this variant meets the criteria to be classified as Pathogenic for autosomal recessive Glanzmann Thrombasthenia based on the ACMG/AMP criteria applied, as specified by the ClinGen PD VCEP: PVS1, PP4_moderate, and PM2_supporting (VCEP specifications version 2).

NM_000419.5(ITGA2B):c.539del (p.Asn180fs)

Gene: ITGA2B (integrin subunit alpha 2b; minus strand). Cytogenetic location: 17q21.31.
Variant type: Deletion.
Coding change: c.539del on transcript NM_000419.5 (MANE Select); coding-DNA position 539, one base deleted (A; older notation c.539delA).
Protein change: p.Asn180fs; shifts the reading frame from asparagine 180.
Molecular consequence: frameshift variant.
Genome position (GRCh38, 1-based): chr17:44,385,586, T deleted on the plus strand (A on the coding strand, the reverse complement: ITGA2B is on the minus strand); the first of 2 consecutive T bases (chr17:44,385,586-44,385,587); deleting either gives the same sequence. VCF-style (leftmost placement, unchanged base first): chr17-44385585-GT-G. GRCh37 (hg19) VCF-style: chr17-42462953-GT-G.
Other names: NM_000419.5:c.539del; short protein forms N180fs.
Identifiers: ClinVar variation 2506416 (VCV002506416.1), dbSNP rs2510084724, ClinGen allele CA915940780.